The following is an entry in ClinVar:

ClinVar aggregate classification (germline): Uncertain significance. Review status: reviewed by expert panel (3 of 4 stars). 2 submissions from 2 submitters: Uncertain significance (1). 1 of the submissions does not count toward it. Last evaluated 2026-01-05.

Conditions:
Mucopolysaccharidosis type 1. Also called: IDUA deficiency; MPS I; Mucopolysaccharidosis Type I. Identifiers: Orphanet 579, MedGen C0023786, MONDO:0001586.

Submissions (2):

ClinGen Lysosomal Storage Disorder Variant Curation Expert Panel
Classification: Uncertain significance for Mucopolysaccharidosis type 1. Last evaluated: 2026-01-05. Review status: reviewed by expert panel. Criteria: ClinGen LSD ACMG Specifications IDUA V1.2.0. Collection method: curation. Allele origin: germline. Inheritance: Autosomal recessive inheritance.
Comment: The NM_000203.5:c.613T>G variant in IDUA is a missense variant predicted to cause substitution of Cysteine by Glycine at amino acid 205 (p.Cys205Gly). This variant is absent in gnomAD v4.1.0. (PM2_Supporting). The computational predictor REVEL gives a score of 0.878 which is above the threshold of 0.773, evidence that correlates with impact to IDUA function at the moderate level based on the specifications of the ClinGen Lysosomal Diseases VCEP (PMID: 36413997) (PP3_Moderate). Another missense variant c.614G>A (p.Cys205Tyr), [ClinVar Variation ID: 1468875] in the same codon has been classified as likely pathogenic for MPS I by the ClinGen Lysosomal Diseases VCEP (PM5_Supporting). There is a ClinVar entry for this variant (Variation ID: 2184620). In summary, this variant meets the criteria to be classified as a VUS for MPS I based on the IDUA-specific ACMG/AMP criteria applied, as specified by the ClinGen Lysosomal Diseases Variant Curation Expert Panel (Specifications Version 1.2.0): PM2_Supporting, PP3_Moderate, PM5_Supporting (Classificaiton approved by the ClinGen Lysosomal Diseases Variant Curation Expert Panel on January 5, 2026)

Labcorp Genetics (formerly Invitae), Labcorp
Classification: Likely pathogenic for Mucopolysaccharidosis type 1. Last evaluated: 2022-09-14. Review status: criteria provided, single submitter. Criteria: Invitae Variant Classification Sherloc (09022015). Collection method: clinical testing. Allele origin: germline. Not counted in ClinVar's aggregate classification.
Comment: This sequence change replaces cysteine, which is neutral and slightly polar, with glycine, which is neutral and non-polar, at codon 205 of the IDUA protein (p.Cys205Gly). This variant is not present in population databases (gnomAD no frequency). This variant has not been reported in the literature in individuals affected with IDUA-related conditions. Advanced modeling of protein sequence and biophysical properties (such as structural, functional, and spatial information, amino acid conservation, physicochemical variation, residue mobility, and thermodynamic stability) performed at Invitae indicates that this missense variant is expected to disrupt IDUA protein function. This variant disrupts the p.Cys205 amino acid residue in IDUA. Other variant(s) that disrupt this residue have been determined to be pathogenic (PMID: 11735025, 28752568). This suggests that this residue is clinically significant, and that variants that disrupt this residue are likely to be disease-causing. In summary, the currently available evidence indicates that the variant is pathogenic, but additional data are needed to prove that conclusively. Therefore, this variant has been classified as Likely Pathogenic.

Literature cited by the submitters: PubMed 11735025 (cited by Labcorp Genetics (formerly Invitae), Labcorp); PubMed 28752568 (cited by Labcorp Genetics (formerly Invitae), Labcorp).

NM_000203.5(IDUA):c.613T>G (p.Cys205Gly)

Gene: IDUA (alpha-L-iduronidase; plus strand). Cytogenetic location: 4p16.3.
Variant type: single nucleotide variant.
Coding change: c.613T>G on transcript NM_000203.5 (MANE Select); coding-DNA position 613, T replaced by G.
Protein change: p.Cys205Gly; replaces cysteine 205 with glycine.
Molecular consequence: missense variant. On other transcripts: non-coding transcript variant (1).
Genome position (GRCh38, 1-based): chr4:1,001,702, T>G. VCF-style: chr4-1001702-T-G. GRCh37 (hg19) VCF-style: chr4-995490-T-G.
Other names: NM_000203.5(IDUA):c.613T>G; p.Cys205Gly; c.217T>G, p.Cys73Gly (NM_001363576.1); short protein forms C205G, C73G.
Identifiers: ClinVar variation 2184620 (VCV002184620.4), dbSNP rs140294059, ClinGen allele CA355961927.